The following is an entry in ClinVar:

NM_000238.4(KCNH2):c.1592G>C (p.Arg531Pro)

Gene: KCNH2 (potassium voltage-gated channel subfamily H member 2; minus strand). Cytogenetic location: 7q36.1.
Variant type: single nucleotide variant.
Coding change: c.1592G>C on transcript NM_000238.4 (MANE Select); coding-DNA position 1592, G replaced by C.
Protein change: p.Arg531Pro; replaces arginine 531 with proline.
Molecular consequence: missense variant. On other transcripts: non-coding transcript variant (2).
Genome position (GRCh38, 1-based): chr7:150,951,801, C>G on the plus strand (G>C on the coding strand, the complement: KCNH2 is on the minus strand). VCF-style: chr7-150951801-C-G. GRCh37 (hg19) VCF-style: chr7-150648889-C-G.
Other names: c.572G>C, p.Arg191Pro (NM_001204798.2, NM_172057.3); c.1304G>C, p.Arg435Pro (NM_001406753.1, NM_001406756.1); c.1415G>C, p.Arg472Pro (NM_001406755.1); c.1292G>C, p.Arg431Pro (NM_001406757.1); c.1592G>C, p.Arg531Pro (NM_172056.3); short protein forms R191P, R431P, R435P, R472P, R531P.
Identifiers: ClinVar variation 3370336 (VCV003370336.2).
Genomic context (GRCh38, chr7:150,951,801, plus strand): 5'-AACAGCACGGCCGCGCCGTACTCTGAGTAGCGATCCAGCTTCCGCGCCACGCGCACCAGC[C>G]GCAGCAGCCGCGCAGTCTTCAGCAGCCCGATCAGCTGGGGGACAGGGAAGGGGCACATTC-3'
Protein context (NP_000229.1, residues 521-541): IGLLKTARLL[Arg531Pro]LVRVARKLDR

ClinVar aggregate classification (germline): Conflicting classifications of pathogenicity. Review status: criteria provided, conflicting classifications (1 of 4 stars). 2 submissions from 2 submitters: Likely pathogenic (1); Uncertain significance (1). Last evaluated 2024-09-30.

Conditions:
Long QT syndrome 2 (LQT2). Identifiers: Orphanet 101016, Orphanet 768, MedGen C3150943, MONDO:0013367, OMIM 613688.

Submissions (2):

MVZ Medizinische Genetik Mainz
Classification: Likely pathogenic for Long QT syndrome 2. Last evaluated: 2024-09-30. Review status: criteria provided, single submitter. Criteria: UK Practice Guidelines For Variant Classification V4 01 2020. Collection method: clinical testing. Allele origin: germline. Inheritance: Autosomal dominant inheritance. Affected: yes. Observed: 1 variant allele.
Comment: ACMG Criteria: PP3_STR,PM2_SUP,PM5_SUP

Blueprint Genetics
Classification: Uncertain significance. Last evaluated: 2020-05-20. Review status: criteria provided, single submitter. Criteria: ACMG Guidelines, 2015. Collection method: clinical testing. Allele origin: germline.